The following is an entry in ClinVar:

ClinVar aggregate classification (germline): Uncertain significance. Review status: criteria provided, multiple submitters, no conflicts (2 of 4 stars). 2 submissions from 2 submitters: Uncertain significance (2). Last evaluated 2026-01-08.

Allele frequency attached by ClinVar (database versions not stated): ExAC 0.00001; gnomAD exomes 0.00001; TOPMed 0.00003; gnomAD 0.00004.
gnomAD v4.1: 21 of 1,613,762 alleles (0.0013%); highest among the groups gnomAD compares: African/African-American, 0.0053%; no homozygotes.

Submissions (2):

Labcorp Genetics (formerly Invitae), Labcorp
Classification: Uncertain significance. Last evaluated: 2026-01-08. Review status: criteria provided, single submitter. Criteria: Invitae Variant Classification Sherloc (09022015). Collection method: clinical testing. Allele origin: germline.
Comment: This sequence change replaces arginine, which is basic and polar, with glutamine, which is neutral and polar, at codon 2011 of the CACNA1D protein (p.Arg2011Gln). This variant is present in population databases (rs570389846, gnomAD 0.005%). This variant has not been reported in the literature in individuals affected with CACNA1D-related conditions. ClinVar contains an entry for this variant (Variation ID: 1313174). An algorithm developed to predict the effect of missense changes on protein structure and function outputs the following: PolyPhen-2: "Benign". The glutamine amino acid residue is found in multiple mammalian species, which suggests that this missense change does not adversely affect protein function. In summary, the available evidence is currently insufficient to determine the role of this variant in disease. Therefore, it has been classified as a Variant of Uncertain Significance.

GeneDx
Classification: Uncertain significance. Last evaluated: 2020-09-04. Review status: criteria provided, single submitter. Criteria: GeneDx Variant Classification Process June 2021. Collection method: clinical testing. Allele origin: germline. Affected: yes.
Comment: In silico analysis supports that this missense variant does not alter protein structure/function; In silico analysis, which includes splice predictors and evolutionary conservation, suggests this variant may impact gene splicing. In the absence of RNA/functional studies, the actual effect of this sequence change is unknown.; Has not been previously published as pathogenic or benign to our knowledge

NM_001128840.3(CACNA1D):c.5972G>A (p.Arg1991Gln)

Gene: CACNA1D (calcium voltage-gated channel subunit alpha1 D; plus strand). Cytogenetic location: 3p21.1.
Variant type: single nucleotide variant.
Coding change: c.5972G>A on transcript NM_001128840.3 (MANE Select); coding-DNA position 5972, G replaced by A.
Protein change: p.Arg1991Gln; replaces arginine 1991 with glutamine.
Molecular consequence: missense variant.
Genome position (GRCh38, 1-based): chr3:53,810,078, G>A. VCF-style: chr3-53810078-G-A. GRCh37 (hg19) VCF-style: chr3-53844105-G-A.
Other names: c.6032G>A, p.Arg2011Gln (NM_000720.4); c.5900G>A, p.Arg1967Gln (NM_001128839.3); short protein forms R1967Q, R1991Q, R2011Q.
Identifiers: ClinVar variation 1313174 (VCV001313174.6), dbSNP rs570389846, ClinGen allele CA2455335.